The following is an entry in ClinVar:

ClinVar aggregate classification (germline): Likely pathogenic (1 of 4 stars; one submission).

Conditions:
Autosomal recessive limb-girdle muscular dystrophy type 2J (LGMDR10). Also called: MUSCULAR DYSTROPHY, LIMB-GIRDLE, AUTOSOMAL RECESSIVE 10; Limb-girdle muscular dystrophy, type 2J. Identifiers: Orphanet 140922, MedGen C1837342, MONDO:0012127, OMIM 608807.
Dilated cardiomyopathy 1G (CMD1G). Identifiers: Orphanet 154, MedGen C1858763, MONDO:0011400, OMIM 604145.

Submission:

Labcorp Genetics (formerly Invitae), Labcorp
Classification: Likely pathogenic for Dilated cardiomyopathy 1G; Autosomal recessive limb-girdle muscular dystrophy type 2J. Last evaluated: 2025-05-21. Review status: criteria provided, single submitter. Criteria: Invitae Variant Classification Sherloc (09022015). Collection method: clinical testing. Allele origin: germline.
Comment: This sequence change creates a premature translational stop signal (p.Gly15522Valfs*6) in the TTN gene. While this is not anticipated to result in nonsense mediated decay, it is expected to create a truncated TTN protein. This variant is not present in population databases (gnomAD no frequency). This variant has not been reported in the literature in individuals affected with TTN-related conditions. ClinVar contains an entry for this variant (Variation ID: 849714). This variant is located in the I band of TTN (PMID: 25589632). Truncating variants in this region have been reported in individuals affected with autosomal recessive centronuclear myopathy (PMID: 23975875, internal data). Truncating variants in this region have also been identified in individuals affected with autosomal dominant dilated cardiomyopathy and/or cardio-related conditions (PMID: 27869827, 32964742, internal data). In summary, the currently available evidence indicates that the variant is pathogenic, but additional data are needed to prove that conclusively. Therefore, this variant has been classified as Likely Pathogenic.

Literature cited by the submitters: PubMed 25589632; PubMed 23975875; PubMed 27869827; PubMed 32964742.

NM_001267550.2(TTN):c.46565del (p.Gly15522fs)

Genes: TTN-AS1 (TTN antisense RNA 1; plus strand), TTN (titin; minus strand). Cytogenetic location: 2q31.2.
Variant type: Deletion.
Coding change: c.46565del on transcript NM_001267550.2 (MANE Select); coding-DNA position 46565, one base deleted (G; older notation c.46565delG).
Protein change: p.Gly15522fs; shifts the reading frame from glycine 15522.
Molecular consequence: frameshift variant.
Genome position (GRCh38, 1-based): chr2:178,619,752, C deleted on the plus strand (G on the coding strand, the reverse complement: TTN is on the minus strand); the first of 3 consecutive C bases (chr2:178,619,752-178,619,754); deleting any one gives the same sequence. VCF-style (leftmost placement, unchanged base first): chr2-178619751-AC-A. GRCh37 (hg19) VCF-style: chr2-179484478-AC-A.
Other names: c.41642del, p.Gly13881fs (NM_001256850.1); c.19370del, p.Gly6457fs (NM_003319.4); c.38861del, p.Gly12954fs (NM_133378.4); c.19745del, p.Gly6582fs (NM_133432.3); c.19946del, p.Gly6649fs (NM_133437.4); short protein forms G6649fs, G12954fs, G15522fs, G6582fs, G13881fs, G6457fs.
Identifiers: ClinVar variation 849714 (VCV000849714.10), dbSNP rs2057989087, ClinGen allele CA916081370.